The following is an entry in ClinVar:

ClinVar aggregate classification (germline): Uncertain significance (1 of 4 stars; one submission).

Allele frequency attached by ClinVar (database versions not stated): gnomAD exomes below 0.00001.
gnomAD v4.1: 3 of 1,016,390 alleles (0.0003%); highest among the groups gnomAD compares: South Asian, 0.013%; no homozygotes.

Submission:

Women's Health and Genetics/Laboratory Corporation of America, LabCorp
Classification: Uncertain significance. Last evaluated: 2023-10-16. Review status: criteria provided, single submitter. Criteria: LabCorp Variant Classification Summary - May 2015. Collection method: clinical testing. Allele origin: germline.
Comment: Variant summary: HCN2 c.371C>T (p.Ser124Leu) results in a non-conservative amino acid change in the encoded protein sequence. Three of five in-silico tools predict a benign effect of the variant on protein function. The variant was absent in 24284 control chromosomes (gnomAD). The available data on variant occurrences in the general population are insufficient to allow any conclusion about variant significance. To our knowledge, no occurrence of c.371C>T in individuals affected with Familial Febrile Seizures and no experimental evidence demonstrating its impact on protein function have been reported. No submitters have cited clinical-significance assessments for this variant to ClinVar after 2014. Based on the evidence outlined above, the variant was classified as uncertain significance.

NM_001194.4(HCN2):c.371C>T (p.Ser124Leu)

Gene: HCN2 (hyperpolarization activated cyclic nucleotide gated potassium and sodium channel 2; plus strand). Cytogenetic location: 19p13.3.
Variant type: single nucleotide variant.
Coding change: c.371C>T on transcript NM_001194.4 (MANE Select); coding-DNA position 371, C replaced by T.
Protein change: p.Ser124Leu; replaces serine 124 with leucine.
Molecular consequence: missense variant.
Genome position (GRCh38, 1-based): chr19:590,316, C>T. VCF-style: chr19-590316-C-T. GRCh37 (hg19) VCF-style: chr19-590316-C-T.
Other names: short protein forms S124L.
Identifiers: ClinVar variation 2637744 (VCV002637744.1), dbSNP rs2512439609, ClinGen allele CA402868844.
Genomic context (GRCh38, chr19:590,316, plus strand): 5'-GCGGCGAGCCGCAGTGCAGCCCCGCGGGGCCCGAGGGCCCGGCGCGGGGGCCCAAGGTGT[C>T]GTTCTCGTGCCGCGGGGCGGCCTCGGGGCCCGCGCCGGGGCCGGGGCCGGCGGAGGAGGC-3'
Protein context (NP_001185.3, residues 114-134): PEGPARGPKV[Ser124Leu]FSCRGAASGP